The following is an entry in ClinVar:

NM_003482.4(KMT2D):c.7109G>C (p.Arg2370Pro)

Gene: KMT2D (lysine methyltransferase 2D; minus strand). Cytogenetic location: 12q13.12.
Variant type: single nucleotide variant.
Coding change: c.7109G>C on transcript NM_003482.4 (MANE Select); coding-DNA position 7109, G replaced by C.
Protein change: p.Arg2370Pro; replaces arginine 2370 with proline.
Molecular consequence: missense variant.
Genome position (GRCh38, 1-based): chr12:49,040,661, C>G on the plus strand (G>C on the coding strand, the complement: KMT2D is on the minus strand). VCF-style: chr12-49040661-C-G. GRCh37 (hg19) VCF-style: chr12-49434444-C-G.
Other names: short protein forms R2370P.
Identifiers: ClinVar variation 283811 (VCV000283811.18), dbSNP rs373234419, ClinGen allele CA6547121.

ClinVar aggregate classification (germline): Conflicting classifications of pathogenicity. Review status: criteria provided, conflicting classifications (1 of 4 stars). 5 submissions from 5 submitters: Uncertain significance (2); Benign (1); Likely benign (2). Last evaluated 2026-06-03.

Conditions:
KMT2D-related disorder. Also called: KMT2D-Related Disorders.
Kabuki syndrome. Also called: NIIKAWA-KUROKI SYNDROME; Kabuki make-up syndrome. Identifiers: Orphanet 2322, MedGen C0796004, MONDO:0016512.

Allele frequency attached by ClinVar (database versions not stated): TOPMed 0.00001.
gnomAD v4.1: 13 of 1,613,412 alleles (0.00081%); highest among the groups gnomAD compares: Admixed American, 0.022%; no homozygotes.

Submissions (5):

PreventionGenetics, part of Exact Sciences
Classification: Uncertain significance for KMT2D-related condition. Last evaluated: 2026-06-03. Review status: criteria provided, single submitter. Criteria: ACMG Guidelines, 2015. Collection method: clinical testing. Allele origin: germline.
Comment: The KMT2D c.7109G>C variant is predicted to result in the amino acid substitution p.Arg2370Pro. To our knowledge, this variant has not been reported in the literature. This variant is reported in 0.038% of alleles in individuals of Latino descent in gnomAD. Although we suspect that this variant may be benign, at this time, the clinical significance of this variant is uncertain due to the absence of conclusive functional and genetic evidence.

Labcorp Genetics (formerly Invitae), Labcorp
Classification: Likely benign for Kabuki syndrome. Last evaluated: 2025-12-01. Review status: criteria provided, single submitter. Criteria: Invitae Variant Classification Sherloc (09022015). Collection method: clinical testing. Allele origin: germline.

GeneDx
Classification: Likely benign. Last evaluated: 2021-05-05. Review status: criteria provided, single submitter. Criteria: GeneDx Variant Classification Process June 2021. Collection method: clinical testing. Allele origin: germline. Affected: yes.

Athena Diagnostics
Classification: Benign. Last evaluated: 2017-07-10. Review status: criteria provided, single submitter. Criteria: Athena Diagnostics Criteria. Collection method: clinical testing. Allele origin: germline.

Eurofins Ntd Llc (ga)
Classification: Uncertain significance. Last evaluated: 2015-10-15. Review status: criteria provided, single submitter. Criteria: EGL Classification Definitions 2015. Collection method: clinical testing. Allele origin: germline. Observed: 1 variant allele, 1 heterozygote.